The following is an entry in ClinVar:

NM_001370259.2(MEN1):c.115T>C (p.Leu39=)

Gene: MEN1 (menin 1; minus strand). Cytogenetic location: 11q13.1.
Variant type: single nucleotide variant.
Coding change: c.115T>C on transcript NM_001370259.2 (MANE Select); coding-DNA position 115, T replaced by C.
Protein change: p.Leu39=; no amino-acid change (leucine 39 retained).
Molecular consequence: synonymous variant.
Genome position (GRCh38, 1-based): chr11:64,809,995, A>G on the plus strand (T>C on the coding strand, the complement: MEN1 is on the minus strand). VCF-style: chr11-64809995-A-G. GRCh37 (hg19) VCF-style: chr11-64577467-A-G.
Other names: c.115T>C, p.Leu39= (NM_000244.4, NM_001370251.2, NM_001370260.2 and 9 more transcripts); c.115T>C (NM_000244.3).
Identifiers: ClinVar variation 215960 (VCV000215960.21), dbSNP rs863224438, ClinGen allele CA335778.

ClinVar aggregate classification (germline): Benign/Likely benign. Review status: criteria provided, multiple submitters, no conflicts (2 of 4 stars). 6 submissions from 6 submitters: Benign (1); Likely benign (4). 1 of the submissions does not count toward it. Last evaluated 2025-10-27.

Conditions:
MEN1-related disorder. Also called: MEN1-related condition.
Hereditary cancer-predisposing syndrome. Also called: Tumor predisposition; Hereditary Cancer Syndrome; Neoplastic Syndromes, Hereditary; Hereditary neoplastic syndrome. Identifiers: Orphanet 140162, MedGen C0027672, MeSH D009386, MONDO:0015356.
Multiple endocrine neoplasia, type 1 (MEN1). Also called: Endocrine adenomatosis multiple; MEN 1; MEN I; WERMER SYNDROME; MEA I. Identifiers: Orphanet 652, MedGen C0025267, MeSH D018761, MONDO:0007540, OMIM 131100.

Allele frequency attached by ClinVar (database versions not stated): gnomAD exomes 0.00001; TOPMed 0.00001; gnomAD 0.00002.

Submissions (6):

Labcorp Genetics (formerly Invitae), Labcorp
Classification: Likely benign for Multiple endocrine neoplasia, type 1. Last evaluated: 2025-10-27. Review status: criteria provided, single submitter. Criteria: Invitae Variant Classification Sherloc (09022015). Collection method: clinical testing. Allele origin: germline.

Myriad Genetics, Inc.
Classification: Benign for Multiple endocrine neoplasia, type 1. Last evaluated: 2024-10-31. Review status: criteria provided, single submitter. Criteria: Myriad Autosomal Dominant, Autosomal Recessive and X-Linked Classification Criteria (2023). Collection method: clinical testing. Allele origin: unknown.
Comment: This variant is considered benign. This variant is a silent/synonymous amino acid change and it is not expected to impact splicing.

All of Us Research Program, National Institutes of Health
Classification: Likely benign for Multiple endocrine neoplasia, type 1. Last evaluated: 2024-02-05. Review status: criteria provided, single submitter. Criteria: ACMG Guidelines, 2015. Collection method: clinical testing. Allele origin: germline. Inheritance: Autosomal dominant inheritance. Observed: 4 variant alleles, 4 heterozygotes.
Comment: This study involves interpretation of variants in research participants for the purpose of population health screening. Participant phenotype was not available at the time of variant classification. Additional details can be found in publication PMID: 35346344, PMCID: PMC8962531

Color Diagnostics, LLC DBA Color Health
Classification: Likely benign for Multiple endocrine neoplasia, type 1. Last evaluated: 2022-11-06. Review status: criteria provided, single submitter. Criteria: ACMG Guidelines, 2015. Collection method: clinical testing. Allele origin: germline.

Ambry Genetics
Classification: Likely benign for Hereditary cancer-predisposing syndrome. Last evaluated: 2018-11-29. Review status: criteria provided, single submitter. Criteria: Ambry Variant Classification Scheme 2023. Collection method: clinical testing. Allele origin: germline.

PreventionGenetics, part of Exact Sciences
Classification: Likely benign for MEN1-related condition. Last evaluated: 2022-11-29. Review status: no assertion criteria provided. Collection method: clinical testing. Allele origin: germline. Not counted in ClinVar's aggregate classification.
Comment: This variant is classified as likely benign based on ACMG/AMP sequence variant interpretation guidelines (Richards et al. 2015 PMID: 25741868, with internal and published modifications).